The following is an entry in ClinVar:

NM_001145809.2(MYH14):c.1275C>T (p.Thr425=)

Gene: MYH14 (myosin heavy chain 14; plus strand). Cytogenetic location: 19q13.33.
Variant type: single nucleotide variant.
Coding change: c.1275C>T on transcript NM_001145809.2 (MANE Select); coding-DNA position 1275, C replaced by T.
Protein change: p.Thr425=; no amino-acid change (threonine 425 retained).
Molecular consequence: synonymous variant.
Genome position (GRCh38, 1-based): chr19:50,247,068, C>T. VCF-style: chr19-50247068-C-T. GRCh37 (hg19) VCF-style: chr19-50750325-C-T.
Other names: c.1275C>T, p.Thr425= (NM_001077186.2); c.1251C>T, p.Thr417= (NM_024729.4).
Identifiers: ClinVar variation 44047 (VCV000044047.15), dbSNP rs149221129, ClinGen allele CA133459.

ClinVar aggregate classification (germline): Benign/Likely benign. Review status: criteria provided, multiple submitters, no conflicts (2 of 4 stars). 4 submissions from 4 submitters: Benign (1); Likely benign (3). Last evaluated 2025-06-04.

Allele frequency attached by ClinVar (database versions not stated): gnomAD exomes 0.00010 and 0.00021; ExAC 0.00021; ESP Exome Variant Server 0.00055; 1000 Genomes Project 0.00080; gnomAD 0.00092 and 0.00098; TOPMed 0.00095; 1000 Genomes Project 30x 0.00109.
gnomAD v4.1: 285 of 1,613,566 alleles (0.018%); highest among the groups gnomAD compares: African/African-American, 0.35%; no homozygotes.

Submissions (4):

Labcorp Genetics (formerly Invitae), Labcorp
Classification: Benign. Last evaluated: 2025-06-04. Review status: criteria provided, single submitter. Criteria: Invitae Variant Classification Sherloc (09022015). Collection method: clinical testing. Allele origin: germline.

Blueprint Genetics
Classification: Likely benign. Last evaluated: 2023-09-25. Review status: criteria provided, single submitter. Criteria: ACMG Guidelines, 2015. Collection method: clinical testing. Allele origin: germline.

GeneDx
Classification: Likely benign. Last evaluated: 2021-05-25. Review status: criteria provided, single submitter. Criteria: GeneDx Variant Classification Process June 2021. Collection method: clinical testing. Allele origin: germline. Affected: yes.

Laboratory for Molecular Medicine, Mass General Brigham Personalized Medicine
Classification: Likely benign. Last evaluated: 2015-08-11. Review status: criteria provided, single submitter. Criteria: LMM Criteria. Collection method: clinical testing. Allele origin: germline. Observed: 2 variant alleles.
Comment: p.Thr425Thr in Exon 12 of MYH14: This variant is not expected to have clinical s ignificance because it does not alter an amino acid residue, is not located with in the splice consensus sequence, and has been identified in 0.25% (22/8486) of African chromosomes by the Exome Aggregation Consortium (ExAC; dbSNP rs149221129).